The following is an entry in ClinVar:

ClinVar aggregate classification (germline): Uncertain significance. Review status: criteria provided, multiple submitters, no conflicts (2 of 4 stars). 3 submissions from 3 submitters: Uncertain significance (2). 1 of the submissions does not count toward it. Last evaluated 2022-07-05.

Conditions:
Ehlers-Danlos syndrome, dermatosparaxis type. Also called: Ehlers-Danlos syndrome, type VII, autosomal recessive; EDS VIIC; Dermatosparaxis. Identifiers: Orphanet 1901, MedGen C2700425, MONDO:0009161, OMIM 225410.

Submissions (3):

Labcorp Genetics (formerly Invitae), Labcorp
Classification: Uncertain significance for Ehlers-Danlos syndrome, dermatosparaxis type. Last evaluated: 2022-07-05. Review status: criteria provided, single submitter. Criteria: Invitae Variant Classification Sherloc (09022015). Collection method: clinical testing. Allele origin: germline.
Comment: This variant, c.2533_2535del, results in the deletion of 1 amino acid(s) of the ADAMTS2 protein (p.Asp845del), but otherwise preserves the integrity of the reading frame. This variant is present in population databases (rs779695756, gnomAD 0.004%). This variant has not been reported in the literature in individuals affected with ADAMTS2-related conditions. ClinVar contains an entry for this variant (Variation ID: 846638). Experimental studies and prediction algorithms are not available or were not evaluated, and the functional significance of this variant is currently unknown. In summary, the available evidence is currently insufficient to determine the role of this variant in disease. Therefore, it has been classified as a Variant of Uncertain Significance.

Mayo Clinic Laboratories, Mayo Clinic
Classification: Uncertain significance. Last evaluated: 2021-12-21. Review status: criteria provided, single submitter. Criteria: ACMG Guidelines, 2015. Collection method: clinical testing. Allele origin: germline.

Natera, Inc.
Classification: Uncertain significance for Ehlers-Danlos syndrome type VIIC. Last evaluated: 2020-07-10. Review status: no assertion criteria provided. Collection method: clinical testing. Allele origin: germline. Not counted in ClinVar's aggregate classification.

NM_014244.5(ADAMTS2):c.2530GAC[1] (p.Asp845del)

Gene: ADAMTS2 (ADAM metallopeptidase with thrombospondin type 1 motif 2; minus strand). Cytogenetic location: 5q35.3.
Variant type: Microsatellite.
Coding change: c.2530GAC[1] on transcript NM_014244.5 (MANE Select); one copy of the 3-base unit GAC starting at c.2530; the reference has two copies in a row; one copy, 3 bases deleted; also written c.2533_2535del.
Protein change: p.Asp845del; deletes aspartic acid 845.
Molecular consequence: inframe deletion.
Genome position (GRCh38, 1-based): chr5:179,128,041-179,128,043, GTC deleted on the plus strand (GAC on the coding strand, the reverse complement: ADAMTS2 is on the minus strand); deleting any 3 consecutive bases within chr5:179,128,041-179,128,047 gives the same sequence; the position shown is the placement nearest the transcript's 3' end. VCF-style (leftmost placement, unchanged base first): chr5-179128040-TGTC-T. GRCh37 (hg19) VCF-style: chr5-178555041-TGTC-T.
Other names: p.Asp845del; c.2533_2535del (NM_014244.5); short protein forms D845del.
Identifiers: ClinVar variation 846638 (VCV000846638.11), dbSNP rs779695756, ClinGen allele CA3595521.
Genomic context (GRCh38, chr5:179,128,040, plus strand): 5'-ACGGAGACCACTTCTTCAGGGCCCACTCGTAGACCACAGAGTCCTCTTCCAGGACGTTGT[TGTC>T]GTCGACATTCAGTGAGTCCTCATGGATCATGTATTTGTACGTCAGTGAGACCCGGGTGTC-3'